The following is an entry in ClinVar:

NM_032806.6(POMGNT2):c.531C>T (p.Tyr177=)

Gene: POMGNT2 (protein O-linked mannose N-acetylglucosaminyltransferase 2 (beta 1,4-); minus strand). Cytogenetic location: 3p22.1.
Variant type: single nucleotide variant.
Coding change: c.531C>T on transcript NM_032806.6 (MANE Select); coding-DNA position 531, C replaced by T.
Protein change: p.Tyr177=; no amino-acid change (tyrosine 177 retained).
Molecular consequence: synonymous variant.
Genome position (GRCh38, 1-based): chr3:43,080,901, G>A on the plus strand (C>T on the coding strand, the complement: POMGNT2 is on the minus strand). VCF-style: chr3-43080901-G-A. GRCh37 (hg19) VCF-style: chr3-43122393-G-A.
Identifiers: ClinVar variation 1975389 (VCV001975389.25), dbSNP rs895983634, ClinGen allele CA74243821.

ClinVar aggregate classification (germline): Likely benign. Review status: criteria provided, multiple submitters, no conflicts (2 of 4 stars). 2 submissions from 2 submitters: Likely benign (2). Last evaluated 2024-04-01.

Conditions:
Muscular dystrophy-dystroglycanopathy (congenital with brain and eye anomalies), type a, 8 (MDDGA8). Also called: WALKER-WARBURG SYNDROME OR MUSCLE-EYE-BRAIN DISEASE, GTDC2-RELATED. Identifiers: Orphanet 899, MedGen C3553813, MONDO:0013904, OMIM 614830.

Allele frequency attached by ClinVar (database versions not stated): gnomAD 0.00001; gnomAD exomes 0.00001; TOPMed 0.00001.
gnomAD v4.1: 13 of 1,614,086 alleles (0.00081%); highest among the groups gnomAD compares: Admixed American, 0.0033%; no homozygotes.

Submissions (2):

CeGaT Center for Human Genetics Tuebingen
Classification: Likely benign. Last evaluated: 2024-04-01. Review status: criteria provided, single submitter. Criteria: CeGaT Center For Human Genetics Tuebingen Variant Classification Criteria Version 2. Collection method: clinical testing. Allele origin: germline. Affected: yes. Observed: 1 variant allele.
Comment: POMGNT2: BP4, BP7

Labcorp Genetics (formerly Invitae), Labcorp
Classification: Likely benign for Muscular dystrophy-dystroglycanopathy (congenital with brain and eye anomalies), type a, 8. Last evaluated: 2023-02-26. Review status: criteria provided, single submitter. Criteria: Invitae Variant Classification Sherloc (09022015). Collection method: clinical testing. Allele origin: germline.